The following is an entry in ClinVar:

NM_003718.5(CDK13):c.2582T>G (p.Leu861Trp)

Gene: CDK13 (cyclin dependent kinase 13; plus strand). Cytogenetic location: 7p14.1.
Variant type: single nucleotide variant.
Coding change: c.2582T>G on transcript NM_003718.5 (MANE Select); coding-DNA position 2582, T replaced by G.
Protein change: p.Leu861Trp; replaces leucine 861 with tryptophan.
Molecular consequence: missense variant.
Genome position (GRCh38, 1-based): chr7:40,047,859, T>G. VCF-style: chr7-40047859-T-G. GRCh37 (hg19) VCF-style: chr7-40087458-T-G.
Other names: c.2582T>G, p.Leu861Trp (NM_031267.4); short protein forms L861W.
Identifiers: ClinVar variation 3902057 (VCV003902057.2).

ClinVar aggregate classification (germline): Uncertain significance. Review status: criteria provided, multiple submitters, no conflicts (2 of 4 stars). 2 submissions from 2 submitters: Uncertain significance (2). Last evaluated 2026-08-06.

Conditions:
Congenital heart defects, dysmorphic facial features, and intellectual developmental disorder (CHDFIDD). Identifiers: Orphanet 646278, MedGen C4479246, MONDO:0044302, OMIM 617360.

Submissions (2):

OLLIN Analises Genomicas, OLLIN
Classification: Uncertain significance for Congenital heart defects, dysmorphic facial features, and intellectual developmental disorder. Last evaluated: 2026-08-06. Review status: criteria provided, single submitter. Criteria: ACMG Guidelines 2015 PMID 25741868. Collection method: clinical testing. Allele origin: germline. Inheritance: Autosomal dominant inheritance.
Comment: This missense variant, located in exon 7 (of 14), is absent from gnomAD and has not been identified in the literature. However, it has been reported in ClinVar (accession VCV003902057.1). In silico analysis is inconclusive regarding the impact of this variant. This variant is located in a region considered to be a mutational hotspot. According to the currently available evidence, this variant has been classified as uncertain significance (PM1, PM2_P).

Laboratorio de Genetica e Diagnostico Molecular, Hospital Israelita Albert Einstein
Classification: Uncertain significance for Congenital heart defects, dysmorphic facial features, and intellectual developmental disorder. Last evaluated: 2023-10-11. Review status: criteria provided, single submitter. Criteria: ACMG Guidelines, 2015. Collection method: clinical testing. Allele origin: germline. Affected: yes.
Comment: ACMG classification criteria: PM2 moderate